The following is an entry in ClinVar:

ClinVar aggregate classification (germline): Uncertain significance. Review status: criteria provided, multiple submitters, no conflicts (2 of 4 stars). 2 submissions from 2 submitters: Uncertain significance (2). Last evaluated 2024-12-17.

Conditions:
Inborn genetic diseases. Identifiers: MedGen C0950123, MeSH D030342.
Brown-Vialetto-van Laere syndrome 1. Also called: BROWN-VIALETTO-VAN LAERE SYNDROME 1, MILD; BULBAR PALSY, PROGRESSIVE, WITH SENSORINEURAL DEAFNESS; PONTOBULBAR PALSY WITH DEAFNESS. Identifiers: Orphanet 572550, Orphanet 97229, MedGen C0796274, MONDO:0024537, OMIM 211530.

gnomAD v4.1: 6 of 1,614,144 alleles (0.00037%); highest among the groups gnomAD compares: Non-Finnish European, 0.00051%; no homozygotes.

Submissions (2):

Ambry Genetics
Classification: Uncertain significance for Inborn genetic diseases. Last evaluated: 2024-12-17. Review status: criteria provided, single submitter. Criteria: Ambry Variant Classification Scheme 2023. Collection method: clinical testing. Allele origin: germline.

Labcorp Genetics (formerly Invitae), Labcorp
Classification: Uncertain significance for Brown-Vialetto-van Laere syndrome 1. Last evaluated: 2022-01-14. Review status: criteria provided, single submitter. Criteria: Invitae Variant Classification Sherloc (09022015). Collection method: clinical testing. Allele origin: germline.
Comment: This variant has not been reported in the literature in individuals affected with SLC52A3-related conditions. In summary, the available evidence is currently insufficient to determine the role of this variant in disease. Therefore, it has been classified as a Variant of Uncertain Significance. Algorithms developed to predict the effect of missense changes on protein structure and function (SIFT, PolyPhen-2, Align-GVGD) all suggest that this variant is likely to be tolerated. ClinVar contains an entry for this variant (Variation ID: 849805). This variant is not present in population databases (gnomAD no frequency). This sequence change replaces alanine, which is neutral and non-polar, with aspartic acid, which is acidic and polar, at codon 293 of the SLC52A3 protein (p.Ala293Asp).

NM_033409.4(SLC52A3):c.878C>A (p.Ala293Asp)

Gene: SLC52A3 (solute carrier family 52 member 3; minus strand). Cytogenetic location: 20p13.
Variant type: single nucleotide variant.
Coding change: c.878C>A on transcript NM_033409.4 (MANE Select); coding-DNA position 878, C replaced by A.
Protein change: p.Ala293Asp; replaces alanine 293 with aspartic acid.
Molecular consequence: missense variant.
Genome position (GRCh38, 1-based): chr20:763,693, G>T on the plus strand (C>A on the coding strand, the complement: SLC52A3 is on the minus strand). VCF-style: chr20-763693-G-T. GRCh37 (hg19) VCF-style: chr20-744337-G-T.
Other names: c.878C>A, p.Ala293Asp (NM_001370085.1, NM_001370086.1); short protein forms A293D.
Identifiers: ClinVar variation 849805 (VCV000849805.12), dbSNP rs774918391, ClinGen allele CA310677167.
Genomic context (GRCh38, chr20:763,693, plus strand): 5'-AGCGCGTTGACGAAGGCCACCAGGGTATAGATGAAGGCCAGGTGCGCCGGGCAGCAGGGG[G>T]CTGCTTTCTCCTCTAGATACCCCTGGCCCTGGCTGCTGTCCACCGTGCCTGCAGGGCCCA-3'
Protein context (NP_212134.3, residues 283-303): QGQGYLEEKA[Ala293Asp]PCCPAHLAFI